The following is an entry in ClinVar:

ClinVar aggregate classification (germline): Uncertain significance (1 of 4 stars; one submission).

Conditions:
Glycogen storage disease type III (GSD3). Also called: Cori disease; FORBES DISEASE. Identifiers: Orphanet 366, MedGen C0017922, MONDO:0009291, OMIM 232400.

Allele frequency attached by ClinVar (database versions not stated): TOPMed 0.00001; ExAC 0.00002; gnomAD exomes 0.00002.
gnomAD v4.1: 34 of 1,607,016 alleles (0.0021%); highest among the groups gnomAD compares: Middle Eastern, 0.017%; no homozygotes.

Submission:

Labcorp Genetics (formerly Invitae), Labcorp
Classification: Uncertain significance for Glycogen storage disease type III. Last evaluated: 2021-09-01. Review status: criteria provided, single submitter. Criteria: Invitae Variant Classification Sherloc (09022015). Collection method: clinical testing. Allele origin: germline.
Comment: This sequence change replaces threonine with alanine at codon 347 of the AGL protein (p.Thr347Ala). The threonine residue is moderately conserved and there is a small physicochemical difference between threonine and alanine. This variant is present in population databases (rs759737504, ExAC 0.01%). This variant has not been reported in the literature in individuals affected with AGL-related conditions. Algorithms developed to predict the effect of missense changes on protein structure and function output the following: SIFT: "Tolerated"; PolyPhen-2: "Benign"; Align-GVGD: "Class C0". The alanine amino acid residue is found in multiple mammalian species, which suggests that this missense change does not adversely affect protein function. In summary, the available evidence is currently insufficient to determine the role of this variant in disease. Therefore, it has been classified as a Variant of Uncertain Significance.

NM_000642.3(AGL):c.1039A>G (p.Thr347Ala)

Gene: AGL (amylo-alpha-1,6-glucosidase and 4-alpha-glucanotransferase; plus strand). Cytogenetic location: 1p21.2.
Variant type: single nucleotide variant.
Coding change: c.1039A>G on transcript NM_000642.3 (MANE Select); coding-DNA position 1039, A replaced by G.
Protein change: p.Thr347Ala; replaces threonine 347 with alanine.
Molecular consequence: missense variant.
Genome position (GRCh38, 1-based): chr1:99,874,767, A>G. VCF-style: chr1-99874767-A-G. GRCh37 (hg19) VCF-style: chr1-100340323-A-G.
Other names: c.1039A>G, p.Thr347Ala (NM_000644.3, NM_001425325.1, NM_001425326.1 and 3 more transcripts); c.991A>G, p.Thr331Ala (NM_000646.3); c.835A>G, p.Thr279Ala (NM_001425328.1, NM_001425329.1); c.661A>G, p.Thr221Ala (NM_001425332.1); short protein forms T331A, T347A, T221A, T279A.
Identifiers: ClinVar variation 2063791 (VCV002063791.1), dbSNP rs759737504, ClinGen allele CA966355.